The following is an entry in ClinVar:

NM_004415.4(DSP):c.1149A>G (p.Glu383=)

Gene: DSP (desmoplakin; plus strand). Cytogenetic location: 6p24.3.
Variant type: single nucleotide variant.
Coding change: c.1149A>G on transcript NM_004415.4 (MANE Select); coding-DNA position 1149, A replaced by G.
Protein change: p.Glu383=; no amino-acid change (glutamic acid 383 retained).
Molecular consequence: synonymous variant.
Genome position (GRCh38, 1-based): chr6:7,567,789, A>G. VCF-style: chr6-7567789-A-G. GRCh37 (hg19) VCF-style: chr6-7568022-A-G.
Other names: c.1149A>G, p.Glu383= (NM_001008844.3, NM_001319034.2); c.1149A>G (LRG_423t1, NM_004415.3).
Identifiers: ClinVar variation 357939 (VCV000357939.16), dbSNP rs572980966, ClinGen allele CA027087.

ClinVar aggregate classification (germline): Conflicting classifications of pathogenicity. Review status: criteria provided, conflicting classifications (1 of 4 stars). 7 submissions from 5 submitters: Uncertain significance (3); Likely benign (3). 1 of the submissions does not count toward it. Last evaluated 2025-10-01.

Conditions:
DSP-related disorder. Also called: DSP-related disorders; DSP-related condition.
Woolly hair-skin fragility syndrome (WHSF). Identifiers: Orphanet 293165, MedGen C1843292, MONDO:0957307, OMIM 620415.
Arrhythmogenic right ventricular dysplasia 8 (ARVD8). Also called: Arrhythmogenic Right Ventricular Dysplasia/Cardiomyopathy 8; ARRHYTHMOGENIC RIGHT VENTRICULAR DYSPLASIA, FAMILIAL, 8; ARRHYTHMOGENIC RIGHT VENTRICULAR CARDIOMYOPATHY 8. Identifiers: MedGen C1843896, MONDO:0011831, OMIM 607450.
Arrhythmogenic cardiomyopathy with wooly hair and keratoderma. Also called: Arrhythmogenic cardiomyopathy with woolly hair and keratoderma; Carvajal syndrome; PALMOPLANTAR KERATODERMA WITH LEFT VENTRICULAR CARDIOMYOPATHY AND WOOLLY HAIR; Dilated cardiomyopathy with woolly hair and keratoderma. Identifiers: Orphanet 65282, MedGen C1854063, MONDO:0011581, OMIM 605676.
Cardiomyopathy (CMYO). Also called: Cardiomyopathies. Identifiers: Orphanet 167848, MedGen C0878544, MONDO:0004994, HP:0001638. Inheritance: Various modes of inheritance.
Lethal acantholytic epidermolysis bullosa (EBLA). Identifiers: Orphanet 158687, MedGen C1864826, MONDO:0012323, OMIM 609638.

Allele frequency attached by ClinVar (database versions not stated): gnomAD 0.00001; gnomAD exomes 0.00001 and 0.00002; ExAC 0.00004; 1000 Genomes Project 30x 0.00016; 1000 Genomes Project 0.00020.
gnomAD v4.1: 23 of 1,613,968 alleles (0.0014%); highest among the groups gnomAD compares: South Asian, 0.022%; no homozygotes.

Submissions (7):

Labcorp Genetics (formerly Invitae), Labcorp
Classification: Likely benign for Arrhythmogenic cardiomyopathy with wooly hair and keratoderma; Arrhythmogenic right ventricular dysplasia 8. Last evaluated: 2025-10-01. Review status: criteria provided, single submitter. Criteria: Invitae Variant Classification Sherloc (09022015). Collection method: clinical testing. Allele origin: germline.

Color Diagnostics, LLC DBA Color Health
Classification: Likely benign for Cardiomyopathy. Last evaluated: 2018-10-30. Review status: criteria provided, single submitter. Criteria: ACMG Guidelines, 2015. Collection method: clinical testing. Allele origin: germline.

Illumina Laboratory Services, Illumina
Classification: Uncertain significance for Lethal acantholytic epidermolysis bullosa. Last evaluated: 2018-01-13. Review status: criteria provided, single submitter. Criteria: ICSL Variant Classification Criteria 13 December 2019. Collection method: clinical testing. Allele origin: germline.

Illumina Laboratory Services, Illumina
Classification: Uncertain significance for Arrhythmogenic right ventricular dysplasia 8. Last evaluated: 2018-01-13. Review status: criteria provided, single submitter. Criteria: ICSL Variant Classification Criteria 13 December 2019. Collection method: clinical testing. Allele origin: germline.

Illumina Laboratory Services, Illumina
Classification: Uncertain significance for Arrhythmogenic cardiomyopathy with wooly hair and keratoderma. Last evaluated: 2018-01-13. Review status: criteria provided, single submitter. Criteria: ICSL Variant Classification Criteria 13 December 2019. Collection method: clinical testing. Allele origin: germline.

CHEO Genetics Diagnostic Laboratory, Children's Hospital of Eastern Ontario
Classification: Likely benign for Cardiomyopathy. Last evaluated: 2017-12-08. Review status: criteria provided, single submitter. Criteria: ACMG Guidelines, 2015. Collection method: clinical testing. Allele origin: germline.

PreventionGenetics, part of Exact Sciences
Classification: Likely benign for DSP-related condition. Last evaluated: 2023-05-22. Review status: no assertion criteria provided. Collection method: clinical testing. Allele origin: germline. Not counted in ClinVar's aggregate classification.
Comment: This variant is classified as likely benign based on ACMG/AMP sequence variant interpretation guidelines (Richards et al. 2015 PMID: 25741868, with internal and published modifications).